The following is an entry in ClinVar:

ClinVar aggregate classification (germline): Likely benign (0 of 4 stars; one submission).

Conditions:
PLXNA4-related disorder. Also called: PLXNA4-related condition.

Allele frequency attached by ClinVar (database versions not stated): ExAC 0.00003; gnomAD 0.00004; gnomAD exomes 0.00005; TOPMed 0.00005.
gnomAD v4.1: 83 of 1,613,460 alleles (0.0051%); highest among the groups gnomAD compares: Non-Finnish European, 0.0067%; no homozygotes.

Submission:

PreventionGenetics, part of Exact Sciences
Classification: Likely benign for PLXNA4-related condition. Last evaluated: 2022-04-11. Review status: no assertion criteria provided. Collection method: clinical testing. Allele origin: germline.
Comment: This variant is classified as likely benign based on ACMG/AMP sequence variant interpretation guidelines (Richards et al. 2015 PMID: 25741868, with internal and published modifications).

NM_020911.2(PLXNA4):c.4500+6C>T

Gene: PLXNA4 (plexin A4; minus strand). Cytogenetic location: 7q32.3.
Variant type: single nucleotide variant.
Coding change: c.4500+6C>T on transcript NM_020911.2 (MANE Select); 6 bases into the intron after coding-DNA position 4500, C replaced by T.
Molecular consequence: intron variant.
Genome position (GRCh38, 1-based): chr7:132,164,136, G>A on the plus strand (C>T on the coding strand, the complement: PLXNA4 is on the minus strand). VCF-style: chr7-132164136-G-A. GRCh37 (hg19) VCF-style: chr7-131848895-G-A.
Other names: c.4500+6C>T (NM_001393897.1).
Identifiers: ClinVar variation 3053906 (VCV003053906.2), dbSNP rs760866887, ClinGen allele CA4489182.